The following is an entry in ClinVar:

NM_001114753.3(ENG):c.1145G>A (p.Cys382Tyr)

Genes: ENG (endoglin; minus strand), LOC102723566 (uncharacterized LOC102723566; plus strand). Cytogenetic location: 9q34.11.
Variant type: single nucleotide variant.
Coding change: c.1145G>A on transcript NM_001114753.3 (MANE Select); coding-DNA position 1145, G replaced by A.
Protein change: p.Cys382Tyr; replaces cysteine 382 with tyrosine.
Molecular consequence: missense variant.
Genome position (GRCh38, 1-based): chr9:127,820,027, C>T on the plus strand (G>A on the coding strand, the complement: ENG is on the minus strand). VCF-style: chr9-127820027-C-T. GRCh37 (hg19) VCF-style: chr9-130582306-C-T.
Other names: NM_001114753.3(ENG):c.1145G>A; p.Cys382Tyr; c.1145G>A, p.Cys382Tyr (NM_000118.4); c.599G>A, p.Cys200Tyr (NM_001278138.2); short protein forms C382Y, C200Y.
Identifiers: ClinVar variation 430375 (VCV000430375.13), dbSNP rs1131691931, ClinGen allele CA374978902.

ClinVar aggregate classification (germline): Pathogenic. Review status: reviewed by expert panel (3 of 4 stars). 4 submissions from 4 submitters: Pathogenic (1). 3 of the submissions do not count toward it. Last evaluated 2025-02-04.

Conditions:
Cardiovascular phenotype. Identifiers: MedGen CN230736.
Hereditary hemorrhagic telangiectasia (HHT). Also called: ORW DISEASE; Osler Weber Rendu syndrome; OSLER-RENDU-WEBER DISEASE; Osler hemorrhagic telangiectasia syndrome. Identifiers: Orphanet 774, MedGen C0039445, MONDO:0019180. Disease mechanism: loss of function.
Telangiectasia, hereditary hemorrhagic, type 1 (HHT1). Also called: Osler Weber Rendu syndrome type 1; ENG-Related Hereditary Hemorrhagic Telangiectasia. Identifiers: Orphanet 774, MedGen C4551861, MONDO:0008535, OMIM 187300. Disease mechanism: loss of function.

Submissions (4):

ClinGen Hereditary Hemorrhagic Telangiectasia Variant Curation Expert Panel, ClinGen
Classification: Pathogenic for Telangiectasia, hereditary hemorrhagic, type 1. Last evaluated: 2025-02-04. Review status: reviewed by expert panel. Criteria: ClinGen HHT ACMG Specifications ENG V1.1.0. Collection method: curation. Allele origin: germline. Inheritance: Autosomal dominant inheritance.
Comment: The NM_001114753.3: c.1145G>A variant in ENG is a missense variant predicted to cause substitution of cysteine by tyrosine at amino acid 382 (p.Cys382Tyr). This variant alters amino acid C382 of ENG that is defined as a critical residue (previously reported to be likely pathogenic or pathogenic) by the ClinGen Hereditary Hemorrhagic Telangiectasia Variant Curation Expert Panel (PM1; PMID: 17786384). This variant has been reported in more than 4 probands with a phenotype consistent with HHT (PS4; Internal lab contributors). At least one patient's phenotype meets Curacao Criteria for HHT, and sequencing and large deletion/duplication analysis was performed for ENG and ACVRL1, which is highly specific for HHT (PP4_Moderate; PMID: 30763665). The variant has been reported to segregate with HHT in 3 affected family members from a single family (PP1; PMID: 30763665, Internal lab contributors). This variant is absent from gnomAD v.2.1.1 (PM2_Supporting). The computational predictor REVEL gives a score of 0.56, which is neither above nor below the thresholds predicting a damaging or benign impact on ENG function. Functional assays showed the variant protein to have reduced protein expression in CHO-K1 cells, indicating that this variant impacts protein function (PS3_Supporting, PMID: 30763665). In summary, this variant meets the criteria to be classified as pathogenic for autosomal dominant hereditary hemorrhagic telangiectasia based on the ACMG/AMP criteria applied, as specified by the ClinGen Hereditary Hemorrhagic Telangiectasia Variant Curation Expert Panel: PS4, PM1, PP4_Moderate, PM2_Supporting, PS3_Supporting, PP1 (specifications version 1.1.0; 02/04/2025).

Labcorp Genetics (formerly Invitae), Labcorp
Classification: Pathogenic for Hereditary hemorrhagic telangiectasia. Last evaluated: 2026-01-04. Review status: criteria provided, single submitter. Criteria: Invitae Variant Classification Sherloc (09022015). Collection method: clinical testing. Allele origin: germline. Not counted in ClinVar's aggregate classification.
Comment: This sequence change replaces cysteine, which is neutral and slightly polar, with tyrosine, which is neutral and polar, at codon 382 of the ENG protein (p.Cys382Tyr). This variant is not present in population databases (gnomAD no frequency). This missense change has been observed in individuals with hereditary hemorrhagic telangiectasia (PMID: 30763665; internal data). It has also been observed to segregate with disease in related individuals. ClinVar contains an entry for this variant (Variation ID: 430375). Invitae Evidence Modeling of protein sequence and biophysical properties (such as structural, functional, and spatial information, amino acid conservation, physicochemical variation, residue mobility, and thermodynamic stability) has been performed for this missense variant. However, the output from this modeling did not meet the statistical confidence thresholds required to predict the impact of this variant on ENG protein function. Studies have shown that this missense change alters ENG gene expression (PMID: 30763665). For these reasons, this variant has been classified as Pathogenic.

Ambry Genetics
Classification: Likely pathogenic for Cardiovascular phenotype. Last evaluated: 2024-07-31. Review status: criteria provided, single submitter. Criteria: Ambry Variant Classification Scheme 2023. Collection method: clinical testing. Allele origin: germline. Not counted in ClinVar's aggregate classification.
Comment: The p.C382Y variant (also known as c.1145G>A), located in coding exon 9 of the ENG gene, results from a G to A substitution at nucleotide position 1145. The cysteine at codon 382 is replaced by tyrosine, an amino acid with highly dissimilar properties. This variant has been detected in individuals with features consistent with hereditary hemorrhagic telangiectasia (HHT), and has shown segregation with disease features in families (Ruiz-Llorente L et al. Gene, 2019 May;696:33-39; external communication; Ambry internal data). In an assay testing ENG function, this variant showed a functionally abnormal result (Ruiz-Llorente L et al. Gene, 2019 May;696:33-39). Based internal on structural analysis, this variant is predicted to be structurally destabilizing (Ambry internal data). This amino acid position is highly conserved in available vertebrate species. In addition, the in silico prediction for this alteration is inconclusive. This variant is considered to be rare based on population cohorts in the Genome Aggregation Database (gnomAD). Based on the majority of available evidence to date, this variant is likely to be pathogenic.

GeneDx
Classification: Likely pathogenic. Last evaluated: 2024-03-12. Review status: criteria provided, single submitter. Criteria: GeneDx Variant Classification Process June 2021. Collection method: clinical testing. Allele origin: germline. Affected: yes. Not counted in ClinVar's aggregate classification.
Comment: Published functional studies suggest a damaging effect on protein expression (PMID: 30763665); Not observed at significant frequency in large population cohorts (gnomAD); In silico analysis supports that this missense variant has a deleterious effect on protein structure/function; This variant is associated with the following publications: (PMID: 34584883, 30763665)

Literature cited by the submitters: PubMed 30763665 (cited by Labcorp Genetics (formerly Invitae), Labcorp and Ambry Genetics); PubMed 15266205 (cited by Ambry Genetics); PubMed 17786384 (cited by Ambry Genetics); PubMed 22022569 (cited by Ambry Genetics).